The following is an entry in ClinVar:

NM_007294.4(BRCA1):c.4359A>C (p.Ala1453=)

Gene: BRCA1 (BRCA1 DNA repair associated; minus strand). Cytogenetic location: 17q21.31.
Variant type: single nucleotide variant.
Coding change: c.4359A>C on transcript NM_007294.4 (MANE Select); coding-DNA position 4359, A replaced by C.
Protein change: p.Ala1453=; no amino-acid change (alanine 1453 retained).
Molecular consequence: synonymous variant. On other transcripts: splice acceptor variant (135), intron variant (3).
Genome position (GRCh38, 1-based): chr17:43,076,613, T>G on the plus strand (A>C on the coding strand, the complement: BRCA1 is on the minus strand). VCF-style: chr17-43076613-T-G. GRCh37 (hg19) VCF-style: chr17-41228630-T-G.
Other names: c.933A>C, p.Ala311= (NM_001408418.1, NM_001408419.1, NM_001408420.1); c.786A>C, p.Ala262= (NM_001408499.1, NM_001408500.1, NM_001408501.1 and 3 more transcripts); c.930A>C, p.Ala310= (NM_001408421.1, NM_001408424.1); c.783A>C, p.Ala261= (NM_001408502.1, NM_001408503.1, NM_001408504.1); c.927A>C, p.Ala309= (NM_001408425.1, NM_001408426.1, NM_001408427.1 and 3 more transcripts); c.723A>C, p.Ala241= (NM_001408506.1); c.720A>C, p.Ala240= (NM_001408507.1); c.711A>C, p.Ala237= (NM_001408508.1); and 98 more.
Identifiers: ClinVar variation 2030449 (VCV002030449.9), dbSNP rs2154073985, ClinGen allele CA10592825.

ClinVar aggregate classification (germline): Conflicting classifications of pathogenicity. Review status: criteria provided, conflicting classifications (1 of 4 stars). 5 submissions from 5 submitters: Uncertain significance (3); Likely benign (2). Last evaluated 2025-05-21.

Conditions:
Hereditary cancer-predisposing syndrome. Also called: Tumor predisposition; Neoplastic Syndromes, Hereditary; Hereditary Cancer Syndrome; Hereditary neoplastic syndrome. Identifiers: Orphanet 140162, MedGen C0027672, MeSH D009386, MONDO:0015356.
Breast-ovarian cancer, familial, susceptibility to, 1 (BROVCA1). Also called: BRCA1 Hereditary Breast and Ovarian Cancer; OVARIAN CANCER, SUSCEPTIBILITY TO. Identifiers: Orphanet 145, MedGen C2676676, MONDO:0011450, OMIM 604370. Disease mechanism: loss of function.
Hereditary breast ovarian cancer syndrome. Also called: Hereditary breast and ovarian cancer syndrome (HBOC); Breast and ovarian cancer; Hereditary breast and/or ovarian cancer syndrome; BRCA1- and BRCA2-Associated Hereditary Breast and Ovarian Cancer; Hereditary breast and ovarian cancer; Hereditary breast and ovarian cancer syndrome. Identifiers: Orphanet 145, MedGen C0677776, MeSH D061325, MONDO:0003582. Disease mechanism: loss of function.

Submissions (5):

Ambry Genetics
Classification: Likely benign for Hereditary cancer-predisposing syndrome. Last evaluated: 2025-05-21. Review status: criteria provided, single submitter. Criteria: Ambry Variant Classification Scheme 2023. Collection method: clinical testing. Allele origin: germline.

Women's Health and Genetics/Laboratory Corporation of America, LabCorp
Classification: Uncertain significance. Last evaluated: 2025-01-09. Review status: criteria provided, single submitter. Criteria: LabCorp Variant Classification Summary - May 2015. Collection method: clinical testing. Allele origin: germline.

Labcorp Genetics (formerly Invitae), Labcorp
Classification: Likely benign for Hereditary breast ovarian cancer syndrome. Last evaluated: 2024-05-29. Review status: criteria provided, single submitter. Criteria: Invitae Variant Classification Sherloc (09022015). Collection method: clinical testing. Allele origin: germline.

Quest Diagnostics Nichols Institute San Juan Capistrano
Classification: Uncertain significance. Last evaluated: 2023-05-11. Review status: criteria provided, single submitter. Criteria: Quest Diagnostics criteria. Collection method: clinical testing. Allele origin: unknown.
Comment: This variant has not been reported in the published literature. It also has not been reported in large, multi-ethnic general populations. Analysis of this variant using software algorithms for the prediction of the effect of nucleotide changes on BRCA1 mRNA splicing yielded inconclusive findings . Based on the available information, we are unable to determine the clinical significance of this variant.

Baylor Genetics
Classification: Uncertain significance for Breast-ovarian cancer, familial, susceptibility to, 1. Last evaluated: 2022-07-29. Review status: criteria provided, single submitter. Criteria: ACMG Guidelines, 2015. Collection method: clinical testing. Allele origin: unknown.